The following is an entry in ClinVar:

NM_014336.5(AIPL1):c.658G>A (p.Val220Met)

Gene: AIPL1 (AIP like 1 HSP90 co-chaperone; minus strand). Cytogenetic location: 17p13.2.
Variant type: single nucleotide variant.
Coding change: c.658G>A on transcript NM_014336.5 (MANE Select); coding-DNA position 658, G replaced by A.
Protein change: p.Val220Met; replaces valine 220 with methionine.
Molecular consequence: missense variant. On other transcripts: intron variant (1).
Genome position (GRCh38, 1-based): chr17:6,426,741, C>T on the plus strand (G>A on the coding strand, the complement: AIPL1 is on the minus strand). VCF-style: chr17-6426741-C-T. GRCh37 (hg19) VCF-style: chr17-6330061-C-T.
Other names: c.658G>A (NM_014336.3); c.469G>A, p.Val157Met (NM_001033054.3); c.478G>A, p.Val160Met (NM_001033055.3); c.622G>A, p.Val208Met (NM_001285399.3); c.592G>A, p.Val198Met (NM_001285400.3); c.541G>A, p.Val181Met (NM_001285402.2); c.634G>A, p.Val212Met (NM_001285403.4); c.643-57G>A (NM_001285401.3); short protein forms V157M, V181M, V198M, V212M, V160M, V220M, V208M.
Identifiers: ClinVar variation 957319 (VCV000957319.12), dbSNP rs751994982, ClinGen allele CA8328422.

ClinVar aggregate classification (germline): Uncertain significance. Review status: criteria provided, multiple submitters, no conflicts (2 of 4 stars). 5 submissions from 5 submitters: Uncertain significance (4). 1 of the submissions does not count toward it. Last evaluated 2025-01-15.

Conditions:
AIPL1-related disorder. Also called: AIPL1-related disorders; AIPL1-related condition. Identifiers: MedGen CN239169.
Inborn genetic diseases. Identifiers: MedGen C0950123, MeSH D030342.
Leber congenital amaurosis 4 (LCA4). Identifiers: MedGen C1858386, MONDO:0011458, OMIM 604393.
Retinitis pigmentosa (RP). Identifiers: Orphanet 791, MedGen C0035334, MeSH D012174, MONDO:0019200, OMIM 268000. Inheritance: Autosomal dominant, autosomal recessive and X linked inheritance.

Allele frequency attached by ClinVar (database versions not stated): ExAC 0.00003; gnomAD exomes 0.00003 and 0.00008; TOPMed 0.00003; gnomAD 0.00006.
gnomAD v4.1: 133 of 1,613,840 alleles (0.0082%); highest among the groups gnomAD compares: Non-Finnish European, 0.011%; no homozygotes.

Submissions (5):

Labcorp Genetics (formerly Invitae), Labcorp
Classification: Uncertain significance for Leber congenital amaurosis 4. Last evaluated: 2025-01-15. Review status: criteria provided, single submitter. Criteria: Invitae Variant Classification Sherloc (09022015). Collection method: clinical testing. Allele origin: germline.
Comment: This sequence change replaces valine, which is neutral and non-polar, with methionine, which is neutral and non-polar, at codon 220 of the AIPL1 protein (p.Val220Met). This variant is present in population databases (rs751994982, gnomAD 0.006%). This variant has not been reported in the literature in individuals affected with AIPL1-related conditions. ClinVar contains an entry for this variant (Variation ID: 957319). Invitae Evidence Modeling of protein sequence and biophysical properties (such as structural, functional, and spatial information, amino acid conservation, physicochemical variation, residue mobility, and thermodynamic stability) has been performed for this missense variant. However, the output from this modeling did not meet the statistical confidence thresholds required to predict the impact of this variant on AIPL1 protein function. In summary, the available evidence is currently insufficient to determine the role of this variant in disease. Therefore, it has been classified as a Variant of Uncertain Significance.

Blueprint Genetics
Classification: Uncertain significance. Last evaluated: 2024-10-18. Review status: criteria provided, single submitter. Criteria: ACMG Guidelines, 2015. Collection method: clinical testing. Allele origin: germline.

Ambry Genetics
Classification: Uncertain significance for Inborn genetic diseases. Last evaluated: 2024-10-11. Review status: criteria provided, single submitter. Criteria: Ambry Variant Classification Scheme 2023. Collection method: clinical testing. Allele origin: germline.

Fulgent Genetics
Classification: Uncertain significance for Retinitis pigmentosa; Leber congenital amaurosis 4. Last evaluated: 2021-12-16. Review status: criteria provided, single submitter. Criteria: ACMG Guidelines, 2015. Collection method: clinical testing. Allele origin: unknown.

PreventionGenetics, part of Exact Sciences
Classification: Uncertain significance for AIPL1-related condition. Last evaluated: 2024-08-15. Review status: no assertion criteria provided. Collection method: clinical testing. Allele origin: germline. Not counted in ClinVar's aggregate classification.
Comment: The AIPL1 c.658G>A variant is predicted to result in the amino acid substitution p.Val220Met. To our knowledge, this variant has not been reported in the literature. This variant is reported in 0.0062% of alleles in individuals of European (Non-Finnish) descent in gnomAD. At this time, the clinical significance of this variant is uncertain due to the absence of conclusive functional and genetic evidence.